The following is an entry in ClinVar:

NC_000012.11:g.(?_12283697)_(12283847_?)del

Gene: LRP6 (LDL receptor related protein 6; minus strand). Cytogenetic location: 12p13.2.
Variant type: Deletion.
Identifiers: ClinVar variation 2424415 (VCV002424415.4).

ClinVar aggregate classification (germline): Uncertain significance (1 of 4 stars; one submission).

Submission:

Labcorp Genetics (formerly Invitae), Labcorp
Classification: Uncertain significance. Last evaluated: 2022-07-13. Review status: criteria provided, single submitter. Criteria: Invitae Variant Classification Sherloc (09022015). Collection method: clinical testing. Allele origin: germline.
Comment: In summary, the available evidence is currently insufficient to determine the role of this variant in disease. Therefore, it has been classified as a Variant of Uncertain Significance. Experimental studies and prediction algorithms are not available or were not evaluated, and the functional significance of this variant is currently unknown. This variant has not been reported in the literature in individuals affected with LRP6-related conditions. This variant is a gross deletion of the genomic region encompassing exon(s) 19 of the LRP6 gene. This variant would be expected to be in-frame, preserving the integrity of the reading frame.